The following is an entry in ClinVar:

GRCh38/hg38 16q23.1(chr16:76487528-76735501)x1

Genes: CNTNAP4 (contactin associated protein family member 4; plus strand), LINC02125 (long intergenic non-protein coding RNA 2125; plus strand), LOC126862404 (MED14-independent group 3 enhancer GRCh37_chr16:76749983-76751182; plus strand), LOC132090402 (Neanderthal introgressed variant-containing enhancer experimental_44671; plus strand), LOC132090403 (Neanderthal introgressed variant-containing enhancer experimental_44716; plus strand). Cytogenetic location: 16q23.1.
Variant type: copy number loss.
Change: copy number 1 (one copy instead of two) of chr16:76,487,528-76,735,501 (248.0 kb, GRCh38 coordinates, 1-based), cytogenetic band 16q23.1.
Identifiers: ClinVar variation 57373 (VCV000057373.1).

ClinVar aggregate classification (germline): Uncertain significance (1 of 4 stars; one submission).

Submission:

ISCA site 4
Classification: Uncertain significance. Last evaluated: 2011-08-12. Review status: criteria provided, single submitter. Criteria: Kaminsky et al. (Genet Med. 2011). Collection method: clinical testing. Allele origin: maternal. Affected: yes. Observed: 1 variant allele.
Comment: Copy number variation identified through the course of routine clinical cytogenomic testing in postnatal populations. Clinical assertions have been curated as described in Kaminsky et al. 2011.